The following is an entry in ClinVar:

ClinVar aggregate classification (germline): Benign/Likely benign. Review status: criteria provided, multiple submitters, no conflicts (2 of 4 stars). 3 submissions from 3 submitters: Benign (1); Likely benign (1). 1 of the submissions does not count toward it. Last evaluated 2025-12-23.

Conditions:
EML1-related disorder. Also called: EML1-related condition.

Allele frequency attached by ClinVar (database versions not stated): gnomAD exomes 0.00028; 1000 Genomes Project 30x 0.00031; ExAC 0.00035; 1000 Genomes Project 0.00040; ESP Exome Variant Server 0.00077; gnomAD 0.00105; TOPMed 0.00107.
gnomAD v4.1: 340 of 1,614,176 alleles (0.021%); highest among the groups gnomAD compares: African/African-American, 0.27%; 1 homozygote.

Submissions (3):

Labcorp Genetics (formerly Invitae), Labcorp
Classification: Benign. Last evaluated: 2025-12-23. Review status: criteria provided, single submitter. Criteria: Invitae Variant Classification Sherloc (09022015). Collection method: clinical testing. Allele origin: germline.

Blueprint Genetics
Classification: Likely benign. Last evaluated: 2024-09-11. Review status: criteria provided, single submitter. Criteria: ACMG Guidelines, 2015. Collection method: clinical testing. Allele origin: germline.

PreventionGenetics, part of Exact Sciences
Classification: Likely benign for EML1-related condition. Last evaluated: 2024-04-02. Review status: no assertion criteria provided. Collection method: clinical testing. Allele origin: germline. Not counted in ClinVar's aggregate classification.
Comment: This variant is classified as likely benign based on ACMG/AMP sequence variant interpretation guidelines (Richards et al. 2015 PMID: 25741868, with internal and published modifications).

NM_004434.3(EML1):c.1047C>T (p.Asn349=)

Gene: EML1 (EMAP like 1; plus strand). Cytogenetic location: 14q32.2.
Variant type: single nucleotide variant.
Coding change: c.1047C>T on transcript NM_004434.3 (MANE Select); coding-DNA position 1047, C replaced by T.
Protein change: p.Asn349=; no amino-acid change (asparagine 349 retained).
Molecular consequence: synonymous variant.
Genome position (GRCh38, 1-based): chr14:99,907,676, C>T. VCF-style: chr14-99907676-C-T. GRCh37 (hg19) VCF-style: chr14-100374013-C-T.
Other names: c.1104C>T, p.Asn368= (NM_001008707.2); c.1008C>T, p.Asn336= (NM_001375411.1); c.1047C>T, p.Asn349= (NM_001375412.1).
Identifiers: ClinVar variation 731295 (VCV000731295.10), dbSNP rs141653535, ClinGen allele CA7342515.